The following is an entry in ClinVar:

ClinVar aggregate classification (germline): Uncertain significance. Review status: criteria provided, multiple submitters, no conflicts (2 of 4 stars). 2 submissions from 2 submitters: Uncertain significance (2). Last evaluated 2025-12-03.

Conditions:
Inborn genetic diseases. Identifiers: MedGen C0950123, MeSH D030342.

Allele frequency attached by ClinVar (database versions not stated): gnomAD 0.00003; TOPMed 0.00014.
gnomAD v4.1: 12 of 1,611,794 alleles (0.00074%); highest among the groups gnomAD compares: Admixed American, 0.012%; no homozygotes.

Submissions (2):

Women's Health and Genetics/Laboratory Corporation of America, LabCorp
Classification: Uncertain significance. Last evaluated: 2025-12-03. Review status: criteria provided, single submitter. Criteria: LabCorp Variant Classification Summary - May 2015. Collection method: clinical testing. Allele origin: germline.
Comment: Variant summary: JPH3 c.796C>G (p.Leu266Val) results in a conservative amino acid change in the encoded protein sequence. Algorithms developed to predict the effect of missense changes on protein structure and function are either unavailable or do not agree on the potential impact of this missense change. The variant allele was found at a frequency of 4e-06 in 248210 control chromosomes. The available data on variant occurrences in the general population are insufficient to allow any conclusion about variant significance. To our knowledge, no occurrence of c.796C>G in individuals affected with JPH3-related conditions and no experimental evidence demonstrating its impact on protein function have been reported. ClinVar contains an entry for this variant (Variation ID: 3112496). Based on the evidence outlined above, the variant was classified as uncertain significance.

Ambry Genetics
Classification: Uncertain significance for Inborn genetic diseases. Last evaluated: 2023-12-18. Review status: criteria provided, single submitter. Criteria: Ambry Variant Classification Scheme 2023. Collection method: clinical testing. Allele origin: germline.

NM_020655.4(JPH3):c.796C>G (p.Leu266Val)

Gene: JPH3 (junctophilin 3; plus strand). Cytogenetic location: 16q24.2.
Variant type: single nucleotide variant.
Coding change: c.796C>G on transcript NM_020655.4 (MANE Select); coding-DNA position 796, C replaced by G.
Protein change: p.Leu266Val; replaces leucine 266 with valine.
Molecular consequence: missense variant. On other transcripts: non-coding transcript variant (1).
Genome position (GRCh38, 1-based): chr16:87,644,671, C>G. VCF-style: chr16-87644671-C-G. GRCh37 (hg19) VCF-style: chr16-87678277-C-G.
Other names: short protein forms L266V.
Identifiers: ClinVar variation 3112496 (VCV003112496.2), dbSNP rs750215162, ClinGen allele CA286251168.
Genomic context (GRCh38, chr16:87,644,671, plus strand): 5'-AGCGAGGCGGGCATGAGCACCGTCAGCTCCACGGCCAGCGACATCCACTCCACCATCAGC[C>G]TGGGCGAGGCTGAGGCCGAGCTGGCGGTCATCGAGGACGACATCGACGCCACCACCACCG-3'
Protein context (NP_065706.2, residues 256-276): TASDIHSTIS[Leu266Val]GEAEAELAVI